The following is an entry in ClinVar:

NM_002693.3(POLG):c.3519G>A (p.Leu1173=)

Gene: POLG (DNA polymerase gamma, catalytic subunit; minus strand). Cytogenetic location: 15q26.1.
Variant type: single nucleotide variant.
Coding change: c.3519G>A on transcript NM_002693.3 (MANE Select); coding-DNA position 3519, G replaced by A.
Protein change: p.Leu1173=; no amino-acid change (leucine 1173 retained).
Molecular consequence: synonymous variant.
Genome position (GRCh38, 1-based): chr15:89,317,500, C>T on the plus strand (G>A on the coding strand, the complement: POLG is on the minus strand). VCF-style: chr15-89317500-C-T. GRCh37 (hg19) VCF-style: chr15-89860731-C-T.
Other names: p.Leu1173=; c.3519G>A, p.Leu1173= (NM_001126131.2).
Identifiers: ClinVar variation 413485 (VCV000413485.12), dbSNP rs953889846, ClinGen allele CA10602279.
Genomic context (GRCh38, chr15:89,317,500, plus strand): 5'-CACTTCCTTCCTGAGGCACCGGTCAATATCGACTGCACTGAAAAAGGCGACTGACTGGGG[C>T]AAGTCATTCAGACCCAGCTTGTAGGCAAACATGCACCTGAAAGAGACCCAATCTACTCTC-3'
Protein context (NP_002684.1, residues 1163-1183): MFAYKLGLND[Leu1173=]PQSVAFFSAV

ClinVar aggregate classification (germline): Conflicting classifications of pathogenicity. Review status: criteria provided, conflicting classifications (1 of 4 stars). 5 submissions from 5 submitters: Uncertain significance (2); Likely benign (2). 1 of the submissions does not count toward it. Last evaluated 2026-01-01.

Conditions:
POLG-related disorder. Also called: POLG-Related Spectrum Disorders; POLG-related condition; POLG-Related Disorders. Identifiers: MedGen C4763519.
Progressive sclerosing poliodystrophy (MTDPS4A). Also called: Mitochondrial DNA depletion syndrome 4A (Alpers type); Alpers Syndrome; ALPERS DIFFUSE DEGENERATION OF CEREBRAL GRAY MATTER WITH HEPATIC CIRRHOSIS; Mitochondrial DNA Depletion Syndrome 4A; Alpers-Huttenlocher Syndrome (AHS); ALPERS PROGRESSIVE INFANTILE POLIODYSTROPHY. Identifiers: Orphanet 726, MedGen C0205710, MONDO:0008758, OMIM 203700.

Allele frequency attached by ClinVar (database versions not stated): gnomAD exomes 0.00001 and 0.00005; gnomAD 0.00002 and 0.00003; TOPMed 0.00003.

Submissions (5):

Labcorp Genetics (formerly Invitae), Labcorp
Classification: Likely benign for Progressive sclerosing poliodystrophy. Last evaluated: 2026-01-01. Review status: criteria provided, single submitter. Criteria: Invitae Variant Classification Sherloc (09022015). Collection method: clinical testing. Allele origin: germline.

Mayo Clinic Laboratories, Mayo Clinic
Classification: Uncertain significance. Last evaluated: 2025-02-03. Review status: criteria provided, single submitter. Criteria: ACMG Guidelines, 2015. Collection method: clinical testing. Allele origin: germline. Observed: 1 variant allele.

Wong Mito Lab, Molecular and Human Genetics, Baylor College of Medicine
Classification: Likely benign for Progressive sclerosing poliodystrophy. Last evaluated: 2018-10-01. Review status: criteria provided, single submitter. Criteria: ACMG Guidelines, 2015. Collection method: clinical testing. Allele origin: germline.
Comment: The NM_002693.2:c.3519G>A (NP_002684.1:p.Leu1173=) [GRCH38: NC_000015.10:g.89317500C>T] variant in POLG gene is interpretated to be a Likely Benign based on ACMG guidelines (PMID: 25741868). This variant meets the following evidence codes reported in the ACMG-guideline. BP4:Computational evidence/predictors indicate no impact on the POLG structure, function, or protein-protein interaction. BP7:The variant is silent with non predicted splice impact. Based on the evidence criteria codes applied, the variant is suggested to be Likely Benign.

Athena Diagnostics
Classification: Uncertain significance. Last evaluated: 2017-06-06. Review status: criteria provided, single submitter. Criteria: Athena Diagnostics Criteria. Collection method: clinical testing. Allele origin: germline.

PreventionGenetics, part of Exact Sciences
Classification: Likely benign for POLG-related condition. Last evaluated: 2021-09-15. Review status: no assertion criteria provided. Collection method: clinical testing. Allele origin: germline. Not counted in ClinVar's aggregate classification.
Comment: This variant is classified as likely benign based on ACMG/AMP sequence variant interpretation guidelines (Richards et al. 2015 PMID: 25741868, with internal and published modifications).